The following is an entry in ClinVar:

NM_017633.3(TENT5A):c.136_137insACTTCGGCGGCGGCGACTTCGGCGGTGGCA (p.Gly46delinsAspPheGlyGlyGlyAspPheGlyGlyGlySer)

Gene: TENT5A (terminal nucleotidyltransferase 5A; minus strand). Cytogenetic location: 6q14.1.
Variant type: Insertion.
Coding change: c.136_137insACTTCGGCGGCGGCGACTTCGGCGGTGGCA on transcript NM_017633.3 (MANE Select); coding-DNA positions 136 to 137, ACTTCGGCGGCGGCGACTTCGGCGGTGGCA inserted.
Protein change: p.Gly46delinsAspPheGlyGlyGlyAspPheGlyGlyGlySer.
Molecular consequence: inframe indel.
Genome position: GRCh38 VCF-style: chr6-81752005-C-CTGCCACCGCCGAAGTCGCCGCCGCCGAAGT. GRCh37 (hg19) VCF-style: chr6-82461722-C-CTGCCACCGCCGAAGTCGCCGCCGCCGAAGT.
Identifiers: ClinVar variation 1680612 (VCV001680612.3), dbSNP rs1554200526, ClinGen allele CA568601201.

ClinVar aggregate classification (germline): Uncertain significance (1 of 4 stars; one submission).

Submission:

Labcorp Genetics (formerly Invitae), Labcorp
Classification: Uncertain significance. Last evaluated: 2022-08-31. Review status: criteria provided, single submitter. Criteria: Invitae Variant Classification Sherloc (09022015). Collection method: clinical testing. Allele origin: germline.
Comment: This variant, c.136_137insACTTCGGCGGCGGCGACTTCGGCGGTGGCA, is a complex sequence change that results in the deletion of 1 and insertion of 11 amino acid(s) in the FAM46A protein (p.Gly46delinsAspPheGlyGlyGlyAspPheGlyGlyGlySer). The frequency data for this variant in the population databases is considered unreliable, as metrics indicate poor data quality at this position in the gnomAD database. This variant has not been reported in the literature in individuals affected with FAM46A-related conditions. ClinVar contains an entry for this variant (Variation ID: 1680612). Experimental studies and prediction algorithms are not available or were not evaluated, and the functional significance of this variant is currently unknown. In summary, the available evidence is currently insufficient to determine the role of this variant in disease. Therefore, it has been classified as a Variant of Uncertain Significance.